The following is an entry in ClinVar:

NM_001127222.2(CACNA1A):c.422T>C (p.Ile141Thr)

Gene: CACNA1A (calcium voltage-gated channel subunit alpha1 A; minus strand). Cytogenetic location: 19p13.13.
Variant type: single nucleotide variant.
Coding change: c.422T>C on transcript NM_001127222.2 (MANE Select); coding-DNA position 422, T replaced by C.
Protein change: p.Ile141Thr; replaces isoleucine 141 with threonine.
Molecular consequence: missense variant.
Genome position (GRCh38, 1-based): chr19:13,452,993, A>G on the plus strand (T>C on the coding strand, the complement: CACNA1A is on the minus strand). VCF-style: chr19-13452993-A-G. GRCh37 (hg19) VCF-style: chr19-13563807-A-G.
Other names: c.422T>C (NM_001127221.1, NM_001127222.1); c.422T>C, p.Ile141Thr (NM_000068.4, NM_001127221.2, NM_001174080.2 and 1 more transcripts); short protein forms I141T.
Identifiers: ClinVar variation 1675727 (VCV001675727.35), dbSNP rs2144936441, ClinGen allele CA404967670.

ClinVar aggregate classification (germline): Uncertain significance. Review status: criteria provided, multiple submitters, no conflicts (2 of 4 stars). 3 submissions from 3 submitters: Uncertain significance (3). Last evaluated 2025-02-26.

Conditions:
CACNA1A-related complex neurodevelopmental disorder. Identifiers: MedGen CN323281, MONDO:0100254.

Submissions (3):

GeneDx
Classification: Uncertain significance. Last evaluated: 2025-02-26. Review status: criteria provided, single submitter. Criteria: GeneDx Variant Classification Process June 2021. Collection method: clinical testing. Allele origin: germline. Affected: yes.
Comment: Not observed at significant frequency in large population cohorts (gnomAD); In silico analysis supports that this missense variant has a deleterious effect on protein structure/function; Has not been previously published as pathogenic or benign to our knowledge

Victorian Clinical Genetics Services, Murdoch Childrens Research Institute
Classification: Uncertain significance for CACNA1A-related complex neurodevelopmental disorder. Last evaluated: 2024-10-10. Review status: criteria provided, single submitter. Criteria: ACMG Guidelines, 2015. Collection method: clinical testing. Allele origin: germline. Inheritance: Autosomal dominant inheritance. Affected: yes.
Comment: Based on the classification scheme VCGS_Germline_v1.3.4, this variant is classified as VUS-3A. Following criteria are met: 0103 - Loss of function and gain of function are known mechanisms of disease in this gene and are associated with CACNA1A-related disease. Episodic ataxia, type 2 (MIM#108500) is caused by variants with a loss of function mechanism (PMID: 28566750). (I) 0107 - This gene is associated with autosomal dominant disease. (I) 0112 - The condition associated with this gene has incomplete penetrance. Reduced penetrance has been reported for patients with episodic ataxia, type 2 (OMIM). (I) 0115 - Variants in this gene are known to have variable expressivity. Two families with episodic ataxia, intellectual disability and/or epilepsy have been reported with intrafamilial variability (PMID: 32910250, PMID: 30142438). (I) 0200 - Variant is predicted to result in a missense amino acid change from isoleucine to threonine. (I) 0251 - This variant is heterozygous. (I) 0301 - Variant is absent from gnomAD (both v2 and v3). (SP) 0502 - Missense variant with conflicting in silico predictions and uninformative conservation. (I) 0603 - Missense variant in a region that is highly intolerant to missense variation (high constraint region in DECIPHER). (SP) 0705 - No comparable missense variants have previous evidence for pathogenicity. (I) 0809 - Previous evidence of pathogenicity for this variant is inconclusive. This variant has been reported once previously as a VUS (ClinVar). (I) 0905 - No published segregation evidence has been identified for this variant. (I) 1007 - No published functional evidence has been identified for this variant. (I) 1208 - Inheritance information for this variant is not currently available in this individual. (I) Legend: (SP) - Supporting pathogenic, (I) - Information, (SB) - Supporting benign

CeGaT Center for Human Genetics Tuebingen
Classification: Uncertain significance. Last evaluated: 2022-02-01. Review status: criteria provided, single submitter. Criteria: CeGaT Center For Human Genetics Tuebingen Variant Classification Criteria Version 2. Collection method: clinical testing. Allele origin: germline. Affected: yes. Observed: 1 variant allele.

Literature cited by the submitters: PubMed 28566750 (cited by Victorian Clinical Genetics Services, Murdoch Childrens Research Institute); PubMed 30142438 (cited by Victorian Clinical Genetics Services, Murdoch Childrens Research Institute); PubMed 32910250 (cited by Victorian Clinical Genetics Services, Murdoch Childrens Research Institute).